The following is an entry in ClinVar:

ClinVar aggregate classification (germline): Benign/Likely benign. Review status: criteria provided, multiple submitters, no conflicts (2 of 4 stars). 3 submissions from 3 submitters: Benign (1); Likely benign (1). 1 of the submissions does not count toward it. Last evaluated 2026-02-01.

Conditions:
DNAH9-related disorder. Also called: DNAH9-related condition.

Allele frequency attached by ClinVar (database versions not stated): gnomAD exomes 0.00028 and 0.00051; ExAC 0.00051; 1000 Genomes Project 0.00160; ESP Exome Variant Server 0.00200; 1000 Genomes Project 30x 0.00203; gnomAD 0.00210 and 0.00228; TOPMed 0.00250.
gnomAD v4.1: 755 of 1,613,976 alleles (0.047%); highest among the groups gnomAD compares: African/African-American, 0.71%; 2 homozygotes.

Submissions (3):

Labcorp Genetics (formerly Invitae), Labcorp
Classification: Benign. Last evaluated: 2026-02-01. Review status: criteria provided, single submitter. Criteria: Invitae Variant Classification Sherloc (09022015). Collection method: clinical testing. Allele origin: germline.

Blueprint Genetics
Classification: Likely benign. Last evaluated: 2024-06-11. Review status: criteria provided, single submitter. Criteria: ACMG Guidelines, 2015. Collection method: clinical testing. Allele origin: germline.

PreventionGenetics, part of Exact Sciences
Classification: Likely benign for DNAH9-related condition. Last evaluated: 2019-11-25. Review status: no assertion criteria provided. Collection method: clinical testing. Allele origin: germline. Not counted in ClinVar's aggregate classification.
Comment: This variant is classified as likely benign based on ACMG/AMP sequence variant interpretation guidelines (Richards et al. 2015 PMID: 25741868, with internal and published modifications).

NM_001372.4(DNAH9):c.13327C>T (p.Arg4443Cys)

Gene: DNAH9 (dynein axonemal heavy chain 9; plus strand). Cytogenetic location: 17p12.
Variant type: single nucleotide variant.
Coding change: c.13327C>T on transcript NM_001372.4 (MANE Select); coding-DNA position 13327, C replaced by T.
Protein change: p.Arg4443Cys; replaces arginine 4443 with cysteine.
Molecular consequence: missense variant.
Genome position (GRCh38, 1-based): chr17:11,969,393, C>T. VCF-style: chr17-11969393-C-T. GRCh37 (hg19) VCF-style: chr17-11872710-C-T.
Other names: c.13327C>T (NM_001372.3); c.2263C>T, p.Arg755Cys (NM_004662.2); short protein forms R4443C, R755C.
Identifiers: ClinVar variation 1536234 (VCV001536234.11), dbSNP rs9913494, ClinGen allele CA8398407.